The following is an entry in ClinVar:

ClinVar aggregate classification (germline): Uncertain significance (1 of 4 stars; one submission).

Submission:

GeneDx
Classification: Uncertain significance. Last evaluated: 2023-07-03. Review status: criteria provided, single submitter. Criteria: GeneDx Variant Classification Process June 2021. Collection method: clinical testing. Allele origin: germline. Affected: yes.
Comment: Not observed at significant frequency in large population cohorts (gnomAD); In silico analysis supports that this missense variant has a deleterious effect on protein structure/function; In silico analysis is inconclusive as to whether the variant alters gene splicing. In the absence of RNA/functional studies, the actual effect of this sequence change is unknown.; Has not been previously published as pathogenic or benign to our knowledge

NM_001008537.3(NEXMIF):c.4424A>T (p.Asp1475Val)

Gene: NEXMIF (neurite extension and migration factor; minus strand). Cytogenetic location: Xq13.3.
Variant type: single nucleotide variant.
Coding change: c.4424A>T on transcript NM_001008537.3 (MANE Select); coding-DNA position 4424, A replaced by T.
Protein change: p.Asp1475Val; replaces aspartic acid 1475 with valine.
Molecular consequence: missense variant.
Genome position (GRCh38, 1-based): chrX:74,740,133, T>A on the plus strand (A>T on the coding strand, the complement: NEXMIF is on the minus strand). VCF-style: chrX-74740133-T-A. GRCh37 (hg19) VCF-style: chrX-73959968-T-A.
Other names: short protein forms D1475V.
Identifiers: ClinVar variation 3360479 (VCV003360479.1).
Genomic context (GRCh38, chrX:74,740,133, plus strand): 5'-ATCTCAGCCATACTGGTGCAGTATTACCTCAGTTTTTCAAAAGAAGCTGTCCCAGACTCA[T>A]CCTTGTGGACCTGTTCTCGCTCCATGTGCTTTCCCTTACATTTCTCATCTCTCAGGGCCT-3'
Protein context (NP_001008537.1, residues 1465-1485): KHMEREQVHK[Asp1475Val]ESGTASFEKL